The following is an entry in ClinVar:

ClinVar aggregate classification (germline): Uncertain significance (1 of 4 stars; one submission).

Allele frequency attached by ClinVar (database versions not stated): TOPMed 0.00001.

Submission:

Labcorp Genetics (formerly Invitae), Labcorp
Classification: Uncertain significance. Last evaluated: 2023-06-09. Review status: criteria provided, single submitter. Criteria: Invitae Variant Classification Sherloc (09022015). Collection method: clinical testing. Allele origin: germline.
Comment: Advanced modeling of protein sequence and biophysical properties (such as structural, functional, and spatial information, amino acid conservation, physicochemical variation, residue mobility, and thermodynamic stability) has been performed at Invitae for this missense variant, however the output from this modeling did not meet the statistical confidence thresholds required to predict the impact of this variant on C1S protein function. In summary, the available evidence is currently insufficient to determine the role of this variant in disease. Therefore, it has been classified as a Variant of Uncertain Significance. This variant has not been reported in the literature in individuals affected with C1S-related conditions. This sequence change replaces glutamic acid, which is acidic and polar, with glycine, which is neutral and non-polar, at codon 574 of the C1S protein (p.Glu574Gly). This variant is not present in population databases (gnomAD no frequency).

NM_001734.5(C1S):c.1721A>G (p.Glu574Gly)

Gene: C1S (complement C1s; plus strand). Cytogenetic location: 12p13.31.
Variant type: single nucleotide variant.
Coding change: c.1721A>G on transcript NM_001734.5 (MANE Select); coding-DNA position 1721, A replaced by G.
Protein change: p.Glu574Gly; replaces glutamic acid 574 with glycine.
Molecular consequence: missense variant.
Genome position (GRCh38, 1-based): chr12:7,070,305, A>G. VCF-style: chr12-7070305-A-G. GRCh37 (hg19) VCF-style: chr12-7177609-A-G.
Other names: c.1220A>G, p.Glu407Gly (NM_001346850.2); c.1721A>G, p.Glu574Gly (NM_201442.4); short protein forms E407G, E574G.
Identifiers: ClinVar variation 3006258 (VCV003006258.3), dbSNP rs1937814636, ClinGen allele CA383706413.